The following is an entry in ClinVar:

ClinVar aggregate classification (germline): Uncertain significance. Review status: criteria provided, multiple submitters, no conflicts (2 of 4 stars). 2 submissions from 2 submitters: Uncertain significance (2). Last evaluated 2023-10-13.

Conditions:
Majeed syndrome (MJDS). Also called: CHRONIC RECURRENT MULTIFOCAL OSTEOMYELITIS 1, WITH CONGENITAL DYSERYTHROPOIETIC ANEMIA, WITH OR WITHOUT NEUTROPHILIC DERMATOSIS; LPIN2-Related Majeed Syndrome. Identifiers: Orphanet 77297, MedGen C1864997, MONDO:0012316, OMIM 609628.

Allele frequency attached by ClinVar (database versions not stated): gnomAD exomes below 0.00001; TOPMed 0.00001; ExAC 0.00002.
gnomAD v4.1: 4 of 1,613,262 alleles (0.00025%); highest among the groups gnomAD compares: East Asian, 0.0089%; no homozygotes.

Submissions (2):

Labcorp Genetics (formerly Invitae), Labcorp
Classification: Uncertain significance for Majeed syndrome. Last evaluated: 2023-10-13. Review status: criteria provided, single submitter. Criteria: Invitae Variant Classification Sherloc (09022015). Collection method: clinical testing. Allele origin: germline.
Comment: This sequence change replaces histidine, which is basic and polar, with arginine, which is basic and polar, at codon 220 of the LPIN2 protein (p.His220Arg). This variant is present in population databases (rs778378973, gnomAD 0.03%). This variant has not been reported in the literature in individuals affected with LPIN2-related conditions. ClinVar contains an entry for this variant (Variation ID: 2433506). Advanced modeling of protein sequence and biophysical properties (such as structural, functional, and spatial information, amino acid conservation, physicochemical variation, residue mobility, and thermodynamic stability) performed at Invitae indicates that this missense variant is not expected to disrupt LPIN2 protein function. In summary, the available evidence is currently insufficient to determine the role of this variant in disease. Therefore, it has been classified as a Variant of Uncertain Significance.

Revvity Omics, Revvity
Classification: Uncertain significance for Majeed syndrome. Last evaluated: 2022-12-06. Review status: criteria provided, single submitter. Criteria: ACMG Guidelines, 2015. Collection method: clinical testing. Allele origin: germline.

NM_001375808.2(LPIN2):c.659A>G (p.His220Arg)

Gene: LPIN2 (lipin 2; minus strand). Cytogenetic location: 18p11.31.
Variant type: single nucleotide variant.
Coding change: c.659A>G on transcript NM_001375808.2 (MANE Select); coding-DNA position 659, A replaced by G.
Protein change: p.His220Arg; replaces histidine 220 with arginine.
Molecular consequence: missense variant.
Genome position (GRCh38, 1-based): chr18:2,940,644, T>C on the plus strand (A>G on the coding strand, the complement: LPIN2 is on the minus strand). VCF-style: chr18-2940644-T-C. GRCh37 (hg19) VCF-style: chr18-2940642-T-C.
Other names: c.659A>G, p.His220Arg (NM_001375809.1, NM_014646.2); short protein forms H220R.
Identifiers: ClinVar variation 2433506 (VCV002433506.6), dbSNP rs778378973, ClinGen allele CA8873339.